The following is an entry in ClinVar:

NM_001048174.2(MUTYH):c.1042G>A (p.Val348Ile)

Gene: MUTYH (mutY DNA glycosylase; minus strand). Cytogenetic location: 1p34.1.
Variant type: single nucleotide variant.
Coding change: c.1042G>A on transcript NM_001048174.2 (MANE Select); coding-DNA position 1042, G replaced by A.
Protein change: p.Val348Ile; replaces valine 348 with isoleucine.
Molecular consequence: missense variant. On other transcripts: non-coding transcript variant (2).
Genome position (GRCh38, 1-based): chr1:45,331,721, C>T on the plus strand (G>A on the coding strand, the complement: MUTYH is on the minus strand). VCF-style: chr1-45331721-C-T. GRCh37 (hg19) VCF-style: chr1-45797393-C-T.
Other names: c.1042G>A, p.Val348Ile (NM_001048171.2, NM_001048173.2, NM_001293195.2); c.1045G>A, p.Val349Ile (NM_001048172.2); c.1126G>A, p.Val376Ile (NM_001128425.2); c.1087G>A, p.Val363Ile (NM_001293190.2); c.1075G>A, p.Val359Ile (NM_001293191.2); c.766G>A, p.Val256Ile (NM_001293192.2, NM_001293196.2); c.697G>A, p.Val233Ile (NM_001350650.2, NM_001350651.2); c.1117G>A, p.Val373Ile (NM_012222.3); short protein forms V348I, V349I, V376I, V233I, V256I, V373I, V359I, V363I.
Identifiers: ClinVar variation 818387 (VCV000818387.6), dbSNP rs1570382710, ClinGen allele CA340133472.

ClinVar aggregate classification (germline): Conflicting classifications of pathogenicity. Review status: criteria provided, conflicting classifications (1 of 4 stars). 2 submissions from 2 submitters: Uncertain significance (1); Likely benign (1). Last evaluated 2025-09-09.

Conditions:
Hereditary cancer-predisposing syndrome. Also called: Tumor predisposition; Hereditary neoplastic syndrome; Neoplastic Syndromes, Hereditary; Hereditary Cancer Syndrome. Identifiers: Orphanet 140162, MedGen C0027672, MeSH D009386, MONDO:0015356.

Submissions (2):

Ambry Genetics
Classification: Likely benign for Hereditary cancer-predisposing syndrome. Last evaluated: 2025-09-09. Review status: criteria provided, single submitter. Criteria: Ambry Variant Classification Scheme 2023. Collection method: clinical testing. Allele origin: germline.

Color Diagnostics, LLC DBA Color Health
Classification: Uncertain significance for Hereditary cancer-predisposing syndrome. Last evaluated: 2025-01-19. Review status: criteria provided, single submitter. Criteria: ACMG Guidelines, 2015. Collection method: clinical testing. Allele origin: germline.
Comment: This missense variant replaces valine with isoleucine at codon 376 of the MUTYH protein. Computational prediction suggests that this variant may not impact protein structure and function (internally defined REVEL score threshold <= 0.5, PMID: 27666373). To our knowledge, functional studies have not been reported for this variant. This variant has not been reported in individuals affected with MUTYH-related disorders in the literature. This variant has not been identified in the general population by the Genome Aggregation Database (gnomAD). The available evidence is insufficient to determine the role of this variant in disease conclusively. Therefore, this variant is classified as a Variant of Uncertain Significance.

Literature cited by the submitters: PubMed 40738107 (cited by Ambry Genetics).